The following is an entry in ClinVar:

NM_001267550.2(TTN):c.93348A>C (p.Pro31116=)

Genes: TTN (titin; minus strand), TTN-AS1 (TTN antisense RNA 1; plus strand). Cytogenetic location: 2q31.2.
Variant type: single nucleotide variant.
Coding change: c.93348A>C on transcript NM_001267550.2 (MANE Select); coding-DNA position 93348, A replaced by C.
Protein change: p.Pro31116=; no amino-acid change (proline 31116 retained).
Molecular consequence: synonymous variant.
Genome position (GRCh38, 1-based): chr2:178,548,278, T>G on the plus strand (A>C on the coding strand, the complement: TTN is on the minus strand). VCF-style: chr2-178548278-T-G. GRCh37 (hg19) VCF-style: chr2-179413005-T-G.
Other names: c.88425A>C, p.Pro29475= (NM_001256850.1); c.66153A>C, p.Pro22051= (NM_003319.4); c.85644A>C, p.Pro28548= (NM_133378.4); c.66528A>C, p.Pro22176= (NM_133432.3); c.66729A>C, p.Pro22243= (NM_133437.4).
Identifiers: ClinVar variation 2066369 (VCV002066369.7), dbSNP rs750732179, ClinGen allele CA1987311.

ClinVar aggregate classification (germline): Likely benign. Review status: criteria provided, multiple submitters, no conflicts (2 of 4 stars). 3 submissions from 3 submitters: Likely benign (2). 1 of the submissions does not count toward it. Last evaluated 2026-02-22.

Conditions:
Autosomal recessive limb-girdle muscular dystrophy type 2J (LGMDR10). Also called: Limb-girdle muscular dystrophy, type 2J; MUSCULAR DYSTROPHY, LIMB-GIRDLE, AUTOSOMAL RECESSIVE 10. Identifiers: Orphanet 140922, MedGen C1837342, MONDO:0012127, OMIM 608807.
Dilated cardiomyopathy 1G (CMD1G). Identifiers: Orphanet 154, MedGen C1858763, MONDO:0011400, OMIM 604145.
TTN-related disorder. Also called: TTN-related condition; TTN-related disease; TTN-related disorders.
Cardiovascular phenotype. Identifiers: MedGen CN230736.

Allele frequency attached by ClinVar (database versions not stated): gnomAD 0.00002.
gnomAD v4.1: 9 of 1,613,698 alleles (0.00056%); highest among the groups gnomAD compares: South Asian, 0.0011%; no homozygotes.

Submissions (3):

Ambry Genetics
Classification: Likely benign for Cardiovascular phenotype. Last evaluated: 2026-02-22. Review status: criteria provided, single submitter. Criteria: Ambry Variant Classification Scheme 2023. Collection method: clinical testing. Allele origin: germline.

Labcorp Genetics (formerly Invitae), Labcorp
Classification: Likely benign for Dilated cardiomyopathy 1G; Autosomal recessive limb-girdle muscular dystrophy type 2J. Last evaluated: 2025-07-18. Review status: criteria provided, single submitter. Criteria: Invitae Variant Classification Sherloc (09022015). Collection method: clinical testing. Allele origin: germline.

PreventionGenetics, part of Exact Sciences
Classification: Likely benign for TTN-related condition. Last evaluated: 2024-02-27. Review status: no assertion criteria provided. Collection method: clinical testing. Allele origin: germline. Not counted in ClinVar's aggregate classification.
Comment: This variant is classified as likely benign based on ACMG/AMP sequence variant interpretation guidelines (Richards et al. 2015 PMID: 25741868, with internal and published modifications).